The following is an entry in ClinVar:

ClinVar aggregate classification (germline): Uncertain significance. Review status: criteria provided, multiple submitters, no conflicts (2 of 4 stars). 2 submissions from 2 submitters: Uncertain significance (2). Last evaluated 2024-11-15.

Conditions:
Inborn genetic diseases. Identifiers: MedGen C0950123, MeSH D030342.

Allele frequency attached by ClinVar (database versions not stated): gnomAD exomes 0.00001; gnomAD 0.00001; ExAC 0.00002.
gnomAD v4.1: 14 of 1,613,608 alleles (0.00087%); highest among the groups gnomAD compares: Admixed American, 0.0017%; no homozygotes.

Submissions (2):

Ambry Genetics
Classification: Uncertain significance for Inborn genetic diseases. Last evaluated: 2024-11-15. Review status: criteria provided, single submitter. Criteria: Ambry Variant Classification Scheme 2023. Collection method: clinical testing. Allele origin: germline.

Labcorp Genetics (formerly Invitae), Labcorp
Classification: Uncertain significance. Last evaluated: 2021-10-21. Review status: criteria provided, single submitter. Criteria: Invitae Variant Classification Sherloc (09022015). Collection method: clinical testing. Allele origin: germline.
Comment: This sequence change replaces alanine, which is neutral and non-polar, with valine, which is neutral and non-polar, at codon 59 of the PLOD3 protein (p.Ala59Val). This variant is present in population databases (rs776359603, gnomAD 0.002%). This variant has not been reported in the literature in individuals affected with PLOD3-related conditions. Algorithms developed to predict the effect of missense changes on protein structure and function are either unavailable or do not agree on the potential impact of this missense change (SIFT: "Deleterious"; PolyPhen-2: "Benign"; Align-GVGD: "Class C0"). In summary, the available evidence is currently insufficient to determine the role of this variant in disease. Therefore, it has been classified as a Variant of Uncertain Significance.

NM_001084.5(PLOD3):c.176C>T (p.Ala59Val)

Gene: PLOD3 (procollagen-lysine,2-oxoglutarate 5-dioxygenase 3; minus strand). Cytogenetic location: 7q22.1.
Variant type: single nucleotide variant.
Coding change: c.176C>T on transcript NM_001084.5 (MANE Select); coding-DNA position 176, C replaced by T.
Protein change: p.Ala59Val; replaces alanine 59 with valine.
Molecular consequence: missense variant.
Genome position (GRCh38, 1-based): chr7:101,216,720, G>A on the plus strand (C>T on the coding strand, the complement: PLOD3 is on the minus strand). VCF-style: chr7-101216720-G-A. GRCh37 (hg19) VCF-style: chr7-100860001-G-A.
Other names: c.176C>T (NM_001084.4); short protein forms A59V.
Identifiers: ClinVar variation 1435019 (VCV001435019.6), dbSNP rs776359603, ClinGen allele CA4408306.